The following is an entry in ClinVar:

NM_000051.4(ATM):c.6759A>C (p.Lys2253Asn)

Genes: ATM (ATM serine/threonine kinase; plus strand), C11orf65 (chromosome 11 open reading frame 65; minus strand). Cytogenetic location: 11q22.3.
Variant type: single nucleotide variant.
Coding change: c.6759A>C on transcript NM_000051.4 (MANE Select); coding-DNA position 6759, A replaced by C.
Protein change: p.Lys2253Asn; replaces lysine 2253 with asparagine.
Molecular consequence: missense variant. On other transcripts: intron variant (2).
Genome position (GRCh38, 1-based): chr11:108,325,496, A>C. VCF-style: chr11-108325496-A-C. GRCh37 (hg19) VCF-style: chr11-108196223-A-C.
Other names: c.6759A>C, p.Lys2253Asn (NM_001351834.2); c.641-16425T>G (NM_001330368.2); c.*38+9724T>G (NM_001351110.2); short protein forms K2253N.
Identifiers: ClinVar variation 407559 (VCV000407559.20), dbSNP rs1060501602, ClinGen allele CA16613416.
Genomic context (GRCh38, chr11:108,325,496, plus strand): 5'-CCTGATGGAAAAGGAAATGGACAACTCACAAAGAGAATGTATTAAGGACATTCTCACCAA[A>C]CACCTTGTAGAACTCTCTATACTGGCCAGAACTTTCAAGAACACTCAGGTAAATACAATT-3'
Protein context (NP_000042.3, residues 2243-2263): QRECIKDILT[Lys2253Asn]HLVELSILAR

ClinVar aggregate classification (germline): Conflicting classifications of pathogenicity. Review status: criteria provided, conflicting classifications (1 of 4 stars). 7 submissions from 7 submitters: Uncertain significance (5); Likely benign (1). 1 of the submissions does not count toward it. Last evaluated 2025-08-01.

Conditions:
Hereditary cancer-predisposing syndrome. Also called: Neoplastic Syndromes, Hereditary; Hereditary Cancer Syndrome; Tumor predisposition; Hereditary neoplastic syndrome. Identifiers: Orphanet 140162, MedGen C0027672, MeSH D009386, MONDO:0015356.
Breast-ovarian cancer, familial, susceptibility to, 1 (BROVCA1). Also called: BRCA1 Hereditary Breast and Ovarian Cancer; OVARIAN CANCER, SUSCEPTIBILITY TO. Identifiers: Orphanet 145, MedGen C2676676, MONDO:0011450, OMIM 604370. Disease mechanism: loss of function.
Familial cancer of breast. Also called: Hereditary breast cancer; BREAST CANCER, FAMILIAL; hereditary breast carcinoma. Identifiers: Orphanet 227535, MedGen C0346153, MONDO:0016419, OMIM 114480. Disease mechanism: loss of function.
Ataxia-telangiectasia syndrome (AT). Also called: LOUIS-BAR SYNDROME; Cerebello-oculocutaneous telangiectasia; Immunodeficiency with ataxia telangiectasia; Ataxia-telangiectasia, complementation group D; AT, COMPLEMENTATION GROUP C; Ataxia-telangiectasia, complementation group E. Identifiers: Orphanet 100, MedGen C0004135, MONDO:0008840, OMIM 208900.

Allele frequency attached by ClinVar (database versions not stated): gnomAD exomes 0.00001; TOPMed below 0.00001.
gnomAD v4.1: 4 of 1,613,302 alleles (0.00025%); highest among the groups gnomAD compares: Non-Finnish European, 0.00025%; no homozygotes.

Submissions (7):

Institute of Immunology and Genetics Kaiserslautern
Classification: Uncertain significance for Breast-ovarian cancer, familial, susceptibility to, 1. Last evaluated: 2025-08-01. Review status: criteria provided, single submitter. Criteria: ACMG Guidelines, 2015. Collection method: clinical testing. Allele origin: germline. Affected: no.
Comment: ACMG Criteria: PM2_P, BP4; Variant was found in heterozygous state.

Labcorp Genetics (formerly Invitae), Labcorp
Classification: Uncertain significance for Ataxia-telangiectasia syndrome. Last evaluated: 2025-06-19. Review status: criteria provided, single submitter. Criteria: Invitae Variant Classification Sherloc (09022015). Collection method: clinical testing. Allele origin: germline.
Comment: This sequence change replaces lysine, which is basic and polar, with asparagine, which is neutral and polar, at codon 2253 of the ATM protein (p.Lys2253Asn). This variant is present in population databases (no rsID available, gnomAD 0.002%). This variant has not been reported in the literature in individuals affected with ATM-related conditions. ClinVar contains an entry for this variant (Variation ID: 407559). Invitae Evidence Modeling of protein sequence and biophysical properties (such as structural, functional, and spatial information, amino acid conservation, physicochemical variation, residue mobility, and thermodynamic stability) indicates that this missense variant is not expected to disrupt ATM protein function with a negative predictive value of 95%. In summary, the available evidence is currently insufficient to determine the role of this variant in disease. Therefore, it has been classified as a Variant of Uncertain Significance.

Ambry Genetics
Classification: Likely benign for Hereditary cancer-predisposing syndrome. Last evaluated: 2024-10-08. Review status: criteria provided, single submitter. Criteria: Ambry Variant Classification Scheme 2023. Collection method: clinical testing. Allele origin: germline.

Baylor Genetics
Classification: Uncertain significance for Familial cancer of breast. Last evaluated: 2024-03-25. Review status: criteria provided, single submitter. Criteria: ACMG Guidelines, 2015. Collection method: clinical testing. Allele origin: unknown.

Color Diagnostics, LLC DBA Color Health
Classification: Uncertain significance for Hereditary cancer-predisposing syndrome. Last evaluated: 2024-03-06. Review status: criteria provided, single submitter. Criteria: ACMG Guidelines, 2015. Collection method: clinical testing. Allele origin: germline.
Comment: This missense variant replaces lysine with asparagine at codon 2253 of the ATM protein. Computational prediction suggests that this variant may not impact protein structure and function (internally defined REVEL score threshold <= 0.5, PMID: 27666373). To our knowledge, functional studies have not been reported for this variant. This variant has not been reported in individuals affected with ATM-related disorders in the literature. This variant has been identified in 2/250464 chromosomes in the general population by the Genome Aggregation Database (gnomAD). The available evidence is insufficient to determine the role of this variant in disease conclusively. Therefore, this variant is classified as a Variant of Uncertain Significance.

Women's Health and Genetics/Laboratory Corporation of America, LabCorp
Classification: Uncertain significance. Last evaluated: 2023-07-31. Review status: criteria provided, single submitter. Criteria: LabCorp Variant Classification Summary - May 2015. Collection method: clinical testing. Allele origin: germline.
Comment: Variant summary: ATM c.6759A>C (p.Lys2253Asn) results in a non-conservative amino acid change located in the PIK-related kinase, FAT domain (IPR003151) of the encoded protein sequence. Four of five in-silico tools predict a benign effect of the variant on protein function. The variant allele was found at a frequency of 8e-06 in 250464 control chromosomes (gnomAD). The available data on variant occurrences in the general population are insufficient to allow any conclusion about variant significance. To our knowledge, no occurrence of c.6759A>C in individuals affected with Breast Cancer and no experimental evidence demonstrating its impact on protein function have been reported. Three submitters have cited clinical-significance assessments for this variant to ClinVar after 2014. All submitters classified the variant as uncertain significance. Based on the evidence outlined above, the variant was classified as uncertain significance.

Natera, Inc.
Classification: Uncertain significance for Ataxia-telangiectasia. Last evaluated: 2025-05-03. Review status: no assertion criteria provided. Collection method: clinical testing. Allele origin: germline. Not counted in ClinVar's aggregate classification.